The following is an entry in ClinVar:

NM_015158.5(KANK1):c.2663C>G (p.Pro888Arg)

Gene: KANK1 (KN motif and ankyrin repeat domains 1; plus strand). Cytogenetic location: 9p24.3.
Variant type: single nucleotide variant.
Coding change: c.2663C>G on transcript NM_015158.5 (MANE Select); coding-DNA position 2663, C replaced by G.
Protein change: p.Pro888Arg; replaces proline 888 with arginine.
Molecular consequence: missense variant. On other transcripts: non-coding transcript variant (1).
Genome position (GRCh38, 1-based): chr9:713,429, C>G. VCF-style: chr9-713429-C-G. GRCh37 (hg19) VCF-style: chr9-713429-C-G.
Other names: c.2663C>G, p.Pro888Arg (NM_001256876.3, NM_001256877.3, NM_001354331.2 and 2 more transcripts); c.2189C>G, p.Pro730Arg (NM_001354333.2, NM_001354335.2, NM_001354336.2 and 9 more transcripts); c.2663C>G (NM_015158.2); short protein forms P730R, P888R.
Identifiers: ClinVar variation 2062867 (VCV002062867.5), dbSNP rs779191832, ClinGen allele CA4960563.
Genomic context (GRCh38, chr9:713,429, plus strand): 5'-GCACCCTGTCGTCTATCAACTCTGTCATGAAATCTGCAAGCACTGAAGAGCTGAGGAACC[C>G]TGACTTCCAGAAAACCAGTCTGGGTAAAATCACAGGTAGGTGGTACCCTGAGGACCTGGG-3'
Protein context (NP_055973.2, residues 878-898): KSASTEELRN[Pro888Arg]DFQKTSLGKI

ClinVar aggregate classification (germline): Uncertain significance. Review status: criteria provided, multiple submitters, no conflicts (2 of 4 stars). 2 submissions from 2 submitters: Uncertain significance (2). Last evaluated 2024-10-07.

Allele frequency attached by ClinVar (database versions not stated): ExAC 0.00013; TOPMed 0.00005; gnomAD 0.00006.
gnomAD v4.1: 118 of 1,603,224 alleles (0.0074%); highest among the groups gnomAD compares: South Asian, 0.098%; no homozygotes.

Submissions (2):

Labcorp Genetics (formerly Invitae), Labcorp
Classification: Uncertain significance. Last evaluated: 2024-10-07. Review status: criteria provided, single submitter. Criteria: Invitae Variant Classification Sherloc (09022015). Collection method: clinical testing. Allele origin: germline.
Comment: This sequence change replaces proline, which is neutral and non-polar, with arginine, which is basic and polar, at codon 888 of the KANK1 protein (p.Pro888Arg). This variant is present in population databases (rs779191832, gnomAD 0.1%), and has an allele count higher than expected for a pathogenic variant. This variant has not been reported in the literature in individuals affected with KANK1-related conditions. ClinVar contains an entry for this variant (Variation ID: 2062867). Invitae Evidence Modeling of protein sequence and biophysical properties (such as structural, functional, and spatial information, amino acid conservation, physicochemical variation, residue mobility, and thermodynamic stability) indicates that this missense variant is not expected to disrupt KANK1 protein function with a negative predictive value of 80%. In summary, the available evidence is currently insufficient to determine the role of this variant in disease. Therefore, it has been classified as a Variant of Uncertain Significance.

Ambry Genetics
Classification: Uncertain significance. Last evaluated: 2024-01-22. Review status: criteria provided, single submitter. Criteria: Ambry Variant Classification Scheme 2023. Collection method: clinical testing. Allele origin: germline.